The following is an entry in ClinVar:

ClinVar aggregate classification (germline): Likely pathogenic (1 of 4 stars; one submission).

Conditions:
Autosomal recessive osteopetrosis 1. Also called: ALBERS-SCHONBERG DISEASE, AUTOSOMAL RECESSIVE; TCIRG1-Related Autosomal Recessive Osteopetrosis; TCIRG1-Related Osteopetrosis. Identifiers: Orphanet 667, MedGen C1850127, MONDO:0009815, OMIM 259700.

Submission:

Natera, Inc.
Classification: Likely pathogenic for Infantile malignant osteopetrosis. Last evaluated: 2025-09-08. Review status: criteria provided, single submitter. Criteria: Natera Variant Classification Schema (03/2026). Collection method: clinical testing. Allele origin: germline.
Comment: The c.2336_2344delCCTTTGCCG variant in TCIRG1 is an in-frame deletion. This variant is rare in the general population with a frequency below the threshold expected for the associated phenotype(s). This variant has been observed in one or more individuals affected with the associated recessive disease, as either homozygous or compound heterozygous with a second variant (PMID: 15300850). This variant results in a change to the protein length while preserving reading frame, which may disrupt normal protein structure or function. Given the available evidence, this variant is classified as Likely Pathogenic.

Literature cited by the submitters: PubMed 15300850.

NM_006019.4(TCIRG1):c.2336_2344del (p.Ala779_Ala781del)

Gene: TCIRG1 (T cell immune regulator 1, ATPase H+ transporting V0 subunit a3; plus strand). Cytogenetic location: 11q13.2.
Variant type: Deletion.
Coding change: c.2336_2344del on transcript NM_006019.4 (MANE Select); coding-DNA positions 2336 to 2344, 9 bases deleted (CCTTTGCCG; older notation c.2336_2344delCCTTTGCCG).
Protein change: p.Ala779_Ala781del.
Molecular consequence: inframe deletion. On other transcripts: intron variant (4).
Genome position (GRCh38, 1-based): chr11:68,050,586-68,050,594, CCTTTGCCG deleted; deleting any 9 consecutive bases within chr11:68,050,578-68,050,594 gives the same sequence; the c. name uses the placement nearest the transcript's 3' end. VCF-style (leftmost placement, unchanged base first): chr11-68050577-TCTTTGCCGC-T. GRCh37 (hg19) VCF-style: chr11-67818044-TCTTTGCCGC-T.
Other names: c.2294_2302del, p.Ala765_Ala767del (NM_001440555.1, NM_001440556.1); c.2123_2131del, p.Ala708_Ala710del (NM_001440559.1, NM_001440560.1, NM_001440561.1 and 1 more transcripts); c.2081_2089del, p.Ala694_Ala696del (NM_001440564.1); c.2036_2044del, p.Ala679_Ala681del (NM_001440565.1); c.1874_1882del, p.Ala625_Ala627del (NM_001440567.1); c.1868_1876del, p.Ala623_Ala625del (NM_001440568.1); c.1376_1384del, p.Ala459_Ala461del (NM_001440569.1); c.1688_1696del, p.Ala563_Ala565del (NM_006053.4); and 5 more.
Identifiers: ClinVar variation 4815484 (VCV004815484.1).
Genomic context (GRCh38, chr11:68,050,577, plus strand): 5'-TGCGCATAGGCCTGGGCCTGGGCCGGGAGGTGGGCGTGGCGGCTGTGGTGCTGGTCCCCA[TCTTTGCCGC>T]CTTTGCCGTGATGACCGTGGCTATCCTGCTGGTGATGGAGGGACTCTCAGCCTTCCTGCA-3'